The following is an entry in ClinVar:

NM_003924.4(PHOX2B):c.788T>G (p.Leu263Arg)

Gene: PHOX2B (paired like homeobox 2B; minus strand). Cytogenetic location: 4p13.
Variant type: single nucleotide variant.
Coding change: c.788T>G on transcript NM_003924.4 (MANE Select); coding-DNA position 788, T replaced by G.
Protein change: p.Leu263Arg; replaces leucine 263 with arginine.
Molecular consequence: missense variant.
Genome position (GRCh38, 1-based): chr4:41,745,964, A>C on the plus strand (T>G on the coding strand, the complement: PHOX2B is on the minus strand). VCF-style: chr4-41745964-A-C. GRCh37 (hg19) VCF-style: chr4-41747981-A-C.
Other names: short protein forms L263R.
Identifiers: ClinVar variation 2725607 (VCV002725607.4), dbSNP rs1733873637, ClinGen allele CA356737135.

ClinVar aggregate classification (germline): Uncertain significance. Review status: criteria provided, multiple submitters, no conflicts (2 of 4 stars). 2 submissions from 2 submitters: Uncertain significance (2). Last evaluated 2025-07-25.

Conditions:
Hereditary cancer-predisposing syndrome. Also called: Neoplastic Syndromes, Hereditary; Tumor predisposition; Hereditary neoplastic syndrome; Hereditary Cancer Syndrome. Identifiers: Orphanet 140162, MedGen C0027672, MeSH D009386, MONDO:0015356.
Haddad syndrome (OHD). Also called: Ondine-Hirschsprung disease. Identifiers: Orphanet 99803, MedGen C1859049, MONDO:0020493.

Submissions (2):

Ambry Genetics
Classification: Uncertain significance for Hereditary cancer-predisposing syndrome. Last evaluated: 2025-07-25. Review status: criteria provided, single submitter. Criteria: Ambry Variant Classification Scheme 2023. Collection method: clinical testing. Allele origin: germline.
Comment: The p.L263R variant (also known as c.788T>G), located in coding exon 3 of the PHOX2B gene, results from a T to G substitution at nucleotide position 788. The leucine at codon 263 is replaced by arginine, an amino acid with dissimilar properties. This amino acid position is conserved. In addition, the in silico prediction for this alteration is inconclusive. Based on the available evidence, the clinical significance of this variant remains unclear.

Labcorp Genetics (formerly Invitae), Labcorp
Classification: Uncertain significance for Haddad syndrome. Last evaluated: 2022-12-17. Review status: criteria provided, single submitter. Criteria: Invitae Variant Classification Sherloc (09022015). Collection method: clinical testing. Allele origin: germline.
Comment: In summary, the available evidence is currently insufficient to determine the role of this variant in disease. Therefore, it has been classified as a Variant of Uncertain Significance. Algorithms developed to predict the effect of missense changes on protein structure and function are either unavailable or do not agree on the potential impact of this missense change (SIFT: "Deleterious"; PolyPhen-2: "Not Available"; Align-GVGD: "Class C0"). This variant has not been reported in the literature in individuals affected with PHOX2B-related conditions. This variant is not present in population databases (gnomAD no frequency). This sequence change replaces leucine, which is neutral and non-polar, with arginine, which is basic and polar, at codon 263 of the PHOX2B protein (p.Leu263Arg).